The following is an entry in ClinVar:

ClinVar aggregate classification (germline): Conflicting classifications of pathogenicity. Review status: criteria provided, conflicting classifications (1 of 4 stars). 3 submissions from 3 submitters: Uncertain significance (1); Benign (1); Likely benign (1). Last evaluated 2026-07-01.

Allele frequency attached by ClinVar (database versions not stated): gnomAD 0.00002 and 0.00003; TOPMed 0.00002; ExAC 0.00004; gnomAD exomes 0.00005; 1000 Genomes Project 30x 0.00016; 1000 Genomes Project 0.00020.
gnomAD v4.1: 94 of 1,614,104 alleles (0.0058%); highest among the groups gnomAD compares: East Asian, 0.011%; no homozygotes.

Submissions (3):

CeGaT Center for Human Genetics Tuebingen
Classification: Likely benign. Last evaluated: 2026-07-01. Review status: criteria provided, single submitter. Criteria: CeGaT Center For Human Genetics Tuebingen Variant Classification Criteria Version 2. Collection method: clinical testing. Allele origin: germline. Affected: yes. Observed: 1 variant allele.
Comment: MYH9: BP4, BP7

Labcorp Genetics (formerly Invitae), Labcorp
Classification: Benign. Last evaluated: 2025-04-27. Review status: criteria provided, single submitter. Criteria: Invitae Variant Classification Sherloc (09022015). Collection method: clinical testing. Allele origin: germline.

Eurofins Ntd Llc (ga)
Classification: Uncertain significance. Last evaluated: 2017-04-03. Review status: criteria provided, single submitter. Criteria: EGL Classification Definitions 2015. Collection method: clinical testing. Allele origin: germline. Observed: 1 variant allele, 1 heterozygote.

NM_002473.6(MYH9):c.3591C>T (p.Ala1197=)

Gene: MYH9 (myosin heavy chain 9; minus strand). Cytogenetic location: 22q12.3.
Variant type: single nucleotide variant.
Coding change: c.3591C>T on transcript NM_002473.6 (MANE Select); coding-DNA position 3591, C replaced by T.
Protein change: p.Ala1197=; no amino-acid change (alanine 1197 retained).
Molecular consequence: synonymous variant.
Genome position (GRCh38, 1-based): chr22:36,294,971, G>A on the plus strand (C>T on the coding strand, the complement: MYH9 is on the minus strand). VCF-style: chr22-36294971-G-A. GRCh37 (hg19) VCF-style: chr22-36691017-G-A.
Identifiers: ClinVar variation 501249 (VCV000501249.11), dbSNP rs549408462, ClinGen allele CA10209641.